The following is an entry in ClinVar:

ClinVar aggregate classification (germline): Likely benign. Review status: criteria provided, multiple submitters, no conflicts (2 of 4 stars). 3 submissions from 3 submitters: Likely benign (2). 1 of the submissions does not count toward it. Last evaluated 2026-04-01.

Conditions:
KMT2C-related disorder. Also called: KMT2C-related condition; KMT2C-related disorders.

Allele frequency attached by ClinVar (database versions not stated): ExAC 0.00008; gnomAD exomes 0.00009 and 0.00011; gnomAD 0.00011 and 0.00013; TOPMed 0.00011; ESP Exome Variant Server 0.00015.
gnomAD v4.1: 148 of 1,613,954 alleles (0.0092%); highest among the groups gnomAD compares: Middle Eastern, 0.13%; no homozygotes.

Submissions (3):

CeGaT Center for Human Genetics Tuebingen
Classification: Likely benign. Last evaluated: 2026-04-01. Review status: criteria provided, single submitter. Criteria: CeGaT Center For Human Genetics Tuebingen Variant Classification Criteria Version 2. Collection method: clinical testing. Allele origin: germline. Affected: yes. Observed: 4 variant alleles.
Comment: KMT2C: BP4, BP7

Labcorp Genetics (formerly Invitae), Labcorp
Classification: Likely benign. Last evaluated: 2025-06-20. Review status: criteria provided, single submitter. Criteria: Invitae Variant Classification Sherloc (09022015). Collection method: clinical testing. Allele origin: germline.

PreventionGenetics, part of Exact Sciences
Classification: Likely benign for KMT2C-related condition. Last evaluated: 2021-04-19. Review status: no assertion criteria provided. Collection method: clinical testing. Allele origin: germline. Not counted in ClinVar's aggregate classification.
Comment: This variant is classified as likely benign based on ACMG/AMP sequence variant interpretation guidelines (Richards et al. 2015 PMID: 25741868, with internal and published modifications).

NM_170606.3(KMT2C):c.12552T>C (p.Ser4184=)

Gene: KMT2C (lysine methyltransferase 2C; minus strand). Cytogenetic location: 7q36.1.
Variant type: single nucleotide variant.
Coding change: c.12552T>C on transcript NM_170606.3 (MANE Select); coding-DNA position 12552, T replaced by C.
Protein change: p.Ser4184=; no amino-acid change (serine 4184 retained).
Molecular consequence: synonymous variant.
Genome position (GRCh38, 1-based): chr7:152,151,556, A>G on the plus strand (T>C on the coding strand, the complement: KMT2C is on the minus strand). VCF-style: chr7-152151556-A-G. GRCh37 (hg19) VCF-style: chr7-151848641-A-G.
Other names: c.12552T>C (NM_170606.2).
Identifiers: ClinVar variation 1668856 (VCV001668856.34), dbSNP rs369593556, ClinGen allele CA4578768.
Genomic context (GRCh38, chr7:152,151,556, plus strand): 5'-AACCACTTTACAATGACAACACCACTGTGGTCTGAGTGCTGCGCTTTCTGCAATACCATG[A>G]CTAGAATCCTTATATCCAGAAAGACCTAAAGGCAATCAACTTTTGTTAGTAATTAAAACT-3'
Protein context (NP_733751.2, residues 4174-4194): SNGLSGYKDS[Ser4184=]HGIAESAALR